The following is an entry in ClinVar:

NM_002291.3(LAMB1):c.3392-312G>C

Gene: LAMB1 (laminin subunit beta 1; minus strand). Cytogenetic location: 7q31.1.
Variant type: single nucleotide variant.
Coding change: c.3392-312G>C on transcript NM_002291.3 (MANE Select); 312 bases into the intron before coding-DNA position 3392, G replaced by C.
Molecular consequence: intron variant.
Genome position (GRCh38, 1-based): chr7:107,940,670, C>G on the plus strand (G>C on the coding strand, the complement: LAMB1 is on the minus strand). VCF-style: chr7-107940670-C-G. GRCh37 (hg19) VCF-style: chr7-107581115-C-G.
Identifiers: ClinVar variation 681225 (VCV000681225.1), dbSNP rs35814593, ClinGen allele CA12478726.

ClinVar aggregate classification (germline): Benign (1 of 4 stars; one submission).

Allele frequency attached by ClinVar (database versions not stated): gnomAD exomes 0.63286; gnomAD 0.64562 and 0.64592; TOPMed 0.64900; 1000 Genomes Project 0.69030; 1000 Genomes Project 30x 0.69129.
gnomAD v4.1: 183,579 of 286,722 alleles (64%); highest among the groups gnomAD compares: East Asian, 86%; 59,831 homozygotes.

Submission:

GeneDx
Classification: Benign. Last evaluated: 2018-06-14. Review status: criteria provided, single submitter. Criteria: GeneDx Variant Classification (06012015). Collection method: clinical testing. Allele origin: germline. Affected: yes.
Comment: This variant is considered likely benign or benign based on one or more of the following criteria: it is a conservative change, it occurs at a poorly conserved position in the protein, it is predicted to be benign by multiple in silico algorithms, and/or has population frequency not consistent with disease.